The following is an entry in ClinVar:

NM_001845.6(COL4A1):c.2733G>A (p.Pro911=)

Gene: COL4A1 (collagen type IV alpha 1 chain; minus strand). Cytogenetic location: 13q34.
Variant type: single nucleotide variant.
Coding change: c.2733G>A on transcript NM_001845.6 (MANE Select); coding-DNA position 2733, G replaced by A.
Protein change: p.Pro911=; no amino-acid change (proline 911 retained).
Molecular consequence: synonymous variant.
Genome position (GRCh38, 1-based): chr13:110,177,021, C>T on the plus strand (G>A on the coding strand, the complement: COL4A1 is on the minus strand). VCF-style: chr13-110177021-C-T. GRCh37 (hg19) VCF-style: chr13-110829368-C-T.
Identifiers: ClinVar variation 3025446 (VCV003025446.22), dbSNP rs756513346, ClinGen allele CA7047490.

ClinVar aggregate classification (germline): Likely benign (1 of 4 stars; one submission).

Allele frequency attached by ClinVar (database versions not stated): gnomAD 0.00001; ExAC 0.00002.
gnomAD v4.1: 33 of 1,613,866 alleles (0.002%); highest among the groups gnomAD compares: South Asian, 0.0055%; no homozygotes.

Submission:

CeGaT Center for Human Genetics Tuebingen
Classification: Likely benign. Last evaluated: 2024-02-01. Review status: criteria provided, single submitter. Criteria: CeGaT Center For Human Genetics Tuebingen Variant Classification Criteria Version 2. Collection method: clinical testing. Allele origin: germline. Affected: yes. Observed: 1 variant allele.
Comment: COL4A1: BP4, BP7